The following is an entry in ClinVar:

ClinVar aggregate classification (germline): Conflicting classifications of pathogenicity. Review status: criteria provided, conflicting classifications (1 of 4 stars). 9 submissions from 9 submitters: Uncertain significance (6); Likely benign (1). 2 of the submissions do not count toward it. Last evaluated 2026-06-23.

Conditions:
Hereditary cancer-predisposing syndrome. Also called: Neoplastic Syndromes, Hereditary; Tumor predisposition; Hereditary neoplastic syndrome; Hereditary Cancer Syndrome. Identifiers: Orphanet 140162, MedGen C0027672, MeSH D009386, MONDO:0015356.
Hereditary breast ovarian cancer syndrome. Also called: Hereditary breast and ovarian cancer syndrome (HBOC); Hereditary breast and ovarian cancer syndrome; Breast and ovarian cancer; Hereditary breast and ovarian cancer; Hereditary breast and/or ovarian cancer syndrome; BRCA1- and BRCA2-Associated Hereditary Breast and Ovarian Cancer. Identifiers: Orphanet 145, MedGen C0677776, MeSH D061325, MONDO:0003582. Disease mechanism: loss of function.
Breast-ovarian cancer, familial, susceptibility to, 2 (BROVCA2). Also called: BRCA2 Hereditary Breast and Ovarian Cancer. Identifiers: Orphanet 145, MedGen C2675520, MONDO:0012933, OMIM 612555. Disease mechanism: loss of function.

Allele frequency attached by ClinVar (database versions not stated): gnomAD exomes 0.00001; TOPMed 0.00001; 1000 Genomes Project 30x 0.00016; ExAC 0.00003; gnomAD 0.00004.

Submissions (9):

Women's Health and Genetics/Laboratory Corporation of America, LabCorp
Classification: Uncertain significance. Last evaluated: 2026-06-23. Review status: criteria provided, single submitter. Criteria: LabCorp Variant Classification Summary - May 2015. Collection method: clinical testing. Allele origin: germline.
Comment: Variant summary: BRCA2 c.3900_3902delGAC (p.Met1300_Thr1301delinsIle) results in an in-frame deletion-insertion that is predicted to delete 2 amino acids and insert 1 different amino acid from the encoded protein. The variant allele was found at a frequency of 1.5e-05 in 200696 control chromosomes. The available data on variant occurrences in the general population are insufficient to allow any conclusion about variant significance. c.3900_3902delGAC has been reported in the literature in individuals affected with Hereditary Breast and Ovarian Cancer and atypical parathyroid cancer (Demange_2001, Lecarpentier_2012, Bahsi_2020, Storvall_2023, deOliveira_2022). These reports do not provide unequivocal conclusions about association of the variant with Hereditary Breast and Ovarian Cancer. Co-occurrences with other pathogenic variant(s) have been reported (BRCA1 c.5030_5033delCTAA, p.Thr1677IlefsX2 via UMD). To our knowledge, no experimental evidence demonstrating an impact on protein function has been reported. The following publications have been ascertained in the context of this evaluation (PMID: 11180606, 22762150, 36900197, 23096105, 35534704). ClinVar contains an entry for this variant (Variation ID: 51555). Based on the evidence outlined above, the variant was classified as uncertain significance.

Labcorp Genetics (formerly Invitae), Labcorp
Classification: Uncertain significance for Hereditary breast ovarian cancer syndrome. Last evaluated: 2025-11-30. Review status: criteria provided, single submitter. Criteria: Invitae Variant Classification Sherloc (09022015). Collection method: clinical testing. Allele origin: germline.
Comment: This variant, c.3900_3902del, is a complex sequence change that results in the deletion of 2 and insertion of 1 amino acid(s) in the BRCA2 protein (p.Met1300_Thr1301delinsIle). This variant is present in population databases (rs397507697, gnomAD 0.02%). This variant has been observed in individual(s) with breast cancer, atypical parathyroid tumor (PMID: 11180606, 22762150, 23096105, 35534704). However, in one of these individuals a pathogenic allele was identified in the BRCA1 gene, which suggests that this c.3900_3902del change in BRCA2might not be the primary cause of disease in this individual. This variant is also known as "4128del3" and "M1306I, T1307del". ClinVar contains an entry for this variant (Variation ID: 51555). Algorithms developed to predict the effect of variants on gene product structure and function are not available or were not evaluated for this variant. Experimental studies have shown that this variant affects BRCA2 function (PMID: 33293522). In summary, the available evidence is currently insufficient to determine the role of this variant in disease. Therefore, it has been classified as a Variant of Uncertain Significance.

Color Diagnostics, LLC DBA Color Health
Classification: Likely benign for Hereditary cancer-predisposing syndrome. Last evaluated: 2025-11-11. Review status: criteria provided, single submitter. Criteria: ACMG Guidelines, 2015. Collection method: clinical testing. Allele origin: germline.

GeneDx
Classification: Uncertain significance. Last evaluated: 2024-11-01. Review status: criteria provided, single submitter. Criteria: GeneDx Variant Classification Process June 2021. Collection method: clinical testing. Allele origin: germline. Affected: yes.
Comment: In-frame deletion of 2 amino acid(s) and insertion of 1 different amino acid(s) in a non-repeat region; In silico analysis supports a deleterious effect on protein structure/function; Also known as 4128_4130delGAC; This variant is associated with the following publications: (PMID: 22762150, 11180606, 36900197, 35534704, Bahsi2020[case report])

All of Us Research Program, National Institutes of Health
Classification: Uncertain significance for Breast-ovarian cancer, familial, susceptibility to, 2. Last evaluated: 2024-01-11. Review status: criteria provided, single submitter. Criteria: ACMG Guidelines, 2015. Collection method: clinical testing. Allele origin: germline. Inheritance: Autosomal dominant inheritance. Observed: 5 variant alleles, 5 heterozygotes.
Comment: This variant causes an in-frame deletion of Met1300 and Thr1301 and the insertion of isoleucine in exon 11 located in the BRCA2 protein. Splice site prediction tools suggest that this variant may not impact RNA splicing. To our knowledge, functional studies have not been performed for this variant. This variant has been observed in an individual affected with ovarian cancer (PMID: 11180606) and in a family affected with breast and/or ovarian cancer (PMID: 22762150). This variant has been identified in 7/232092 chromosomes in the general population by the Genome Aggregation Database (gnomAD). The available evidence is insufficient to determine the role of this variant in disease conclusively. Therefore, this variant is classified as a Variant of Uncertain Significance.

This study involves interpretation of variants in research participants for the purpose of population health screening. Participant phenotype was not available at the time of variant classification. Additional details can be found in publication PMID: 35346344, PMCID: PMC8962531

Quest Diagnostics Nichols Institute San Juan Capistrano
Classification: Uncertain significance. Last evaluated: 2023-12-14. Review status: criteria provided, single submitter. Criteria: Quest Diagnostics criteria. Collection method: clinical testing. Allele origin: unknown.
Comment: The BRCA2 c.3900_3902del (p.Met1300_Thr1301delinsIle) variant has been reported in the published literature in individuals with ovarian cancer (PMID: 11180606 (2001)), breast cancer (PMID: 22762150 (2012), an aggressive parathyroid neoplasm (PMID: 36900297 (2023)), and an unspecified cancer (PMID: 35534704 (2022)). The frequency of this variant in the general population, 0.00013 (3/22978 chromosomes (Genome Aggregation Database)), is uninformative in the assessment of its pathogenicity. Based on the available information, we are unable to determine the clinical significance of this variant. "

Ambry Genetics
Classification: Uncertain significance for Hereditary cancer-predisposing syndrome. Last evaluated: 2023-09-29. Review status: criteria provided, single submitter. Criteria: Ambry Variant Classification Scheme 2023. Collection method: clinical testing. Allele origin: germline.
Comment: The c.3900_3902delGAC variant (also known as p.M1300_T1301delinsI) is located in coding exon 10 of the BRCA2 gene. This variant results from an in-frame GAC deletion at nucleotide positions 3900 to 3902. The methionine ant threonine residues at codons 1300 and 1301 are deleted and are replaced by isoleucine, an amino acid with highly similar properties. This alteration has been reported in a French breast and/or ovarian cancer family (Lecarpentier J et al. Breast Cancer Res. 2012 Jul 3;14(4):R99). The amino acid region is not well conserved in available vertebrate species. In addition, this alteration is predicted to be deleterious by in silico analysis (Choi Y et al. PLoS ONE. 2012; 7(10):e46688). Since supporting evidence is limited at this time, the clinical significance of this alteration remains unclear.

BRCAlab, Lund University
Classification: Uncertain significance for Breast-ovarian cancer, familial, susceptibility to, 2. Last evaluated: 2020-03-02. Review status: no assertion criteria provided. Collection method: clinical testing. Allele origin: germline. Affected: yes. Not counted in ClinVar's aggregate classification.

Counsyl
Classification: Uncertain significance for Breast-ovarian cancer, familial, susceptibility to, 2. Last evaluated: 2017-12-18. Review status: no assertion criteria provided. Collection method: clinical testing. Allele origin: unknown. Not counted in ClinVar's aggregate classification.

Literature cited by the submitters: PubMed 23096105 (cited by Women's Health and Genetics/Laboratory Corporation of America, LabCorp and Labcorp Genetics (formerly Invitae), Labcorp); PubMed 22762150 (cited by 5 submitters); PubMed 11180606 (cited by 4 submitters); PubMed 35534704 (cited by 3 submitters); PubMed 36900197 (cited by Women's Health and Genetics/Laboratory Corporation of America, LabCorp and Quest Diagnostics Nichols Institute San Juan Capistrano); PubMed 33293522 (cited by Labcorp Genetics (formerly Invitae), Labcorp).

NM_000059.4(BRCA2):c.3900_3902del (p.Met1300_Thr1301delinsIle)

Gene: BRCA2 (BRCA2 DNA repair associated; plus strand). Cytogenetic location: 13q13.1.
Variant type: Deletion.
Coding change: c.3900_3902del on transcript NM_000059.4 (MANE Select); coding-DNA positions 3900 to 3902, 3 bases deleted (GAC; older notation c.3900_3902delGAC).
Protein change: p.Met1300_Thr1301delinsIle.
Molecular consequence: inframe indel.
Genome position (GRCh38, 1-based): chr13:32,338,255-32,338,257, GAC deleted. VCF-style (leftmost placement, unchanged base first): chr13-32338254-TGAC-T. GRCh37 (hg19) VCF-style: chr13-32912391-TGAC-T.
Other names: c.3900_3902delGAC (NM_000059.3).
Identifiers: ClinVar variation 51555 (VCV000051555.30), dbSNP rs397507697, ClinGen allele CA019096.
Genomic context (GRCh38, chr13:32,338,254, plus strand): 5'-ATAAAACTGTAAGTGAAAAAAATAATAAATGCCAACTGATATTACAAAATAATATTGAAA[TGAC>T]TACTGGCACTTTTGTTGAAGAAATTACTGAAAATTACAAGAGAAATACTGAAAATGAAGA-3'